The following is an entry in ClinVar:

ClinVar aggregate classification (germline): Benign/Likely benign. Review status: criteria provided, multiple submitters, no conflicts (2 of 4 stars). 3 submissions from 3 submitters: Benign (1); Likely benign (2). Last evaluated 2025-06-10.

Conditions:
Pheochromocytoma/paraganglioma syndrome 5. Also called: Paragangliomas 5; SDHA-Related Hereditary Paraganglioma-Pheochromocytoma Syndrome. Identifiers: Orphanet 29072, MedGen C3279992, MONDO:0013602, OMIM 614165.
Mitochondrial complex II deficiency, nuclear type 1. Also called: SUCCINATE CoQ REDUCTASE DEFICIENCY. Identifiers: Orphanet 3208, MedGen C5700310, MONDO:0100294, OMIM 252011.
Hereditary cancer-predisposing syndrome. Also called: Tumor predisposition; Neoplastic Syndromes, Hereditary; Hereditary Cancer Syndrome; Hereditary neoplastic syndrome. Identifiers: Orphanet 140162, MedGen C0027672, MeSH D009386, MONDO:0015356.

Allele frequency attached by ClinVar (database versions not stated): gnomAD exomes below 0.00001.
gnomAD v4.1: 1 of 1,614,226 alleles (0.000062%); highest among the groups gnomAD compares: Non-Finnish European, 0.000085%; no homozygotes.

Submissions (3):

Labcorp Genetics (formerly Invitae), Labcorp
Classification: Likely benign for Pheochromocytoma/paraganglioma syndrome 5; Mitochondrial complex II deficiency, nuclear type 1. Last evaluated: 2025-06-10. Review status: criteria provided, single submitter. Criteria: Invitae Variant Classification Sherloc (09022015). Collection method: clinical testing. Allele origin: germline.

Myriad Genetics, Inc.
Classification: Benign for Pheochromocytoma/paraganglioma syndrome 5. Last evaluated: 2025-03-10. Review status: criteria provided, single submitter. Criteria: Myriad Autosomal Dominant, Autosomal Recessive and X-Linked Classification Criteria (2023). Collection method: clinical testing. Allele origin: unknown.
Comment: This variant is considered benign. This variant is a silent/synonymous amino acid change and it is not expected to impact splicing.

Ambry Genetics
Classification: Likely benign for Hereditary cancer-predisposing syndrome. Last evaluated: 2020-08-07. Review status: criteria provided, single submitter. Criteria: Ambry Variant Classification Scheme 2023. Collection method: clinical testing. Allele origin: germline.

NM_004168.4(SDHA):c.1227C>T (p.Asn409=)

Gene: SDHA (succinate dehydrogenase complex flavoprotein subunit A; plus strand). Cytogenetic location: 5p15.33.
Variant type: single nucleotide variant.
Coding change: c.1227C>T on transcript NM_004168.4 (MANE Select); coding-DNA position 1227, C replaced by T.
Protein change: p.Asn409=; no amino-acid change (asparagine 409 retained).
Molecular consequence: synonymous variant.
Genome position (GRCh38, 1-based): chr5:235,306, C>T. VCF-style: chr5-235306-C-T. GRCh37 (hg19) VCF-style: chr5-235421-C-T.
Other names: c.1083C>T, p.Asn361= (NM_001294332.2); c.1227C>T, p.Asn409= (NM_001330758.2).
Identifiers: ClinVar variation 1125813 (VCV001125813.12), dbSNP rs2126585562, ClinGen allele CA442692026.